The following is an entry in ClinVar:

NM_012469.4(PRPF6):c.930_948del (p.Ile313fs)

Gene: PRPF6 (pre-mRNA processing factor 6; plus strand). Cytogenetic location: 20q13.33.
Variant type: Deletion.
Coding change: c.930_948del on transcript NM_012469.4 (MANE Select); coding-DNA positions 930 to 948, 19 bases deleted (AGCCTGGATTGCATCAGCC).
Protein change: p.Ile313fs; shifts the reading frame from isoleucine 313.
Molecular consequence: frameshift variant.
Genome position (GRCh38, 1-based): chr20:63,999,666-63,999,684, AGCCTGGATTGCATCAGCC deleted; deleting any 19 consecutive bases within chr20:63,999,663-63,999,684 gives the same sequence; the c. name uses the placement nearest the transcript's 3' end. VCF-style (leftmost placement, unchanged base first): chr20-63999662-CGCCAGCCTGGATTGCATCA-C. GRCh37 (hg19) VCF-style: chr20-62631015-CGCCAGCCTGGATTGCATCA-C.
Other names: short protein forms I313fs.
Identifiers: ClinVar variation 4694338 (VCV004694338.1).

ClinVar aggregate classification (germline): Uncertain significance (1 of 4 stars; one submission).

Submission:

Labcorp Genetics (formerly Invitae), Labcorp
Classification: Uncertain significance. Last evaluated: 2025-09-03. Review status: criteria provided, single submitter. Criteria: Invitae Variant Classification Sherloc (09022015). Collection method: clinical testing. Allele origin: germline.
Comment: This sequence change creates a premature translational stop signal (p.Ile313Lysfs*9) in the PRPF6 gene. It is expected to result in an absent or disrupted protein product. However, the current clinical and genetic evidence is not sufficient to establish whether loss-of-function variants in PRPF6 cause disease. This variant is not present in population databases (gnomAD no frequency). This variant has not been reported in the literature in individuals affected with PRPF6-related conditions. In summary, the available evidence is currently insufficient to determine the role of this variant in disease. Therefore, it has been classified as a Variant of Uncertain Significance.